The following is an entry in ClinVar:

ClinVar aggregate classification (germline): Uncertain significance. Review status: criteria provided, multiple submitters, no conflicts (2 of 4 stars). 2 submissions from 2 submitters: Uncertain significance (2). Last evaluated 2025-09-09.

Conditions:
Inborn genetic diseases. Identifiers: MedGen C0950123, MeSH D030342.

Allele frequency attached by ClinVar (database versions not stated): gnomAD 0.00001; TOPMed 0.00002; 1000 Genomes Project 30x 0.00016; 1000 Genomes Project 0.00020.

Submissions (2):

Ambry Genetics
Classification: Uncertain significance for Inborn genetic diseases. Last evaluated: 2025-09-09. Review status: criteria provided, single submitter. Criteria: Ambry Variant Classification Scheme 2023. Collection method: clinical testing. Allele origin: germline.

Labcorp Genetics (formerly Invitae), Labcorp
Classification: Uncertain significance. Last evaluated: 2022-05-22. Review status: criteria provided, single submitter. Criteria: Invitae Variant Classification Sherloc (09022015). Collection method: clinical testing. Allele origin: germline.
Comment: This sequence change replaces glycine, which is neutral and non-polar, with arginine, which is basic and polar, at codon 317 of the SPEG protein (p.Gly317Arg). This variant is present in population databases (rs566714637, gnomAD 0.007%). This variant has not been reported in the literature in individuals affected with SPEG-related conditions. Algorithms developed to predict the effect of missense changes on protein structure and function are either unavailable or do not agree on the potential impact of this missense change (SIFT: "Deleterious"; PolyPhen-2: "Possibly Damaging"; Align-GVGD: "Class C0"). In summary, the available evidence is currently insufficient to determine the role of this variant in disease. Therefore, it has been classified as a Variant of Uncertain Significance.

NM_005876.5(SPEG):c.949G>A (p.Gly317Arg)

Gene: SPEG (striated muscle enriched protein kinase; plus strand). Cytogenetic location: 2q35.
Variant type: single nucleotide variant.
Coding change: c.949G>A on transcript NM_005876.5 (MANE Select); coding-DNA position 949, G replaced by A.
Protein change: p.Gly317Arg; replaces glycine 317 with arginine.
Molecular consequence: missense variant.
Genome position (GRCh38, 1-based): chr2:219,448,107, G>A. VCF-style: chr2-219448107-G-A. GRCh37 (hg19) VCF-style: chr2-220312829-G-A.
Other names: c.949G>A (NM_005876.4); short protein forms G317R.
Identifiers: ClinVar variation 1991379 (VCV001991379.2), dbSNP rs566714637, ClinGen allele CA66004037.